The following is an entry in ClinVar:

NM_000051.4(ATM):c.2276G>C (p.Ser759Thr)

Gene: ATM (ATM serine/threonine kinase; plus strand). Cytogenetic location: 11q22.3.
Variant type: single nucleotide variant.
Coding change: c.2276G>C on transcript NM_000051.4 (MANE Select); coding-DNA position 2276, G replaced by C.
Protein change: p.Ser759Thr; replaces serine 759 with threonine.
Molecular consequence: missense variant.
Genome position (GRCh38, 1-based): chr11:108,257,506, G>C. VCF-style: chr11-108257506-G-C. GRCh37 (hg19) VCF-style: chr11-108128233-G-C.
Other names: c.2276G>C, p.Ser759Thr (NM_001351834.2); short protein forms S759T.
Identifiers: ClinVar variation 2504559 (VCV002504559.5), dbSNP rs786202270, ClinGen allele CA382539645.
Genomic context (GRCh38, chr11:108,257,506, plus strand): 5'-ACTGGAATTTGCATTTTTCCTTCTATTCACAATAGTCTCTAATGCAATGTGCAGGAGAAA[G>C]TATCACTCTGTTTAAAAATAAGACAAATGAGGAATTCAGAATTGGTTCCTTGAGAAATAT-3'
Protein context (NP_000042.3, residues 749-769): AKSLMQCAGE[Ser759Thr]ITLFKNKTNE

ClinVar aggregate classification (germline): Uncertain significance. Review status: criteria provided, multiple submitters, no conflicts (2 of 4 stars). 3 submissions from 3 submitters: Uncertain significance (3). Last evaluated 2025-09-30.

Conditions:
Hereditary cancer-predisposing syndrome. Also called: Tumor predisposition; Hereditary neoplastic syndrome; Neoplastic Syndromes, Hereditary; Hereditary Cancer Syndrome. Identifiers: Orphanet 140162, MedGen C0027672, MeSH D009386, MONDO:0015356.
Ataxia-telangiectasia syndrome (AT). Also called: Cerebello-oculocutaneous telangiectasia; Immunodeficiency with ataxia telangiectasia; AT, COMPLEMENTATION GROUP C; LOUIS-BAR SYNDROME; Ataxia-telangiectasia, complementation group E; Ataxia telangiectasia (A-T). Identifiers: Orphanet 100, MedGen C0004135, MONDO:0008840, OMIM 208900.

Submissions (3):

Labcorp Genetics (formerly Invitae), Labcorp
Classification: Uncertain significance for Ataxia-telangiectasia syndrome. Last evaluated: 2025-09-30. Review status: criteria provided, single submitter. Criteria: Invitae Variant Classification Sherloc (09022015). Collection method: clinical testing. Allele origin: germline.
Comment: This sequence change replaces serine, which is neutral and polar, with threonine, which is neutral and polar, at codon 759 of the ATM protein (p.Ser759Thr). This variant is not present in population databases (gnomAD no frequency). This variant has not been reported in the literature in individuals affected with ATM-related conditions. ClinVar contains an entry for this variant (Variation ID: 2504559). Invitae Evidence Modeling of protein sequence and biophysical properties (such as structural, functional, and spatial information, amino acid conservation, physicochemical variation, residue mobility, and thermodynamic stability) indicates that this missense variant is not expected to disrupt ATM protein function with a negative predictive value of 95%. In summary, the available evidence is currently insufficient to determine the role of this variant in disease. Therefore, it has been classified as a Variant of Uncertain Significance.

Ambry Genetics
Classification: Uncertain significance for Hereditary cancer-predisposing syndrome. Last evaluated: 2024-07-16. Review status: criteria provided, single submitter. Criteria: Ambry Variant Classification Scheme 2023. Collection method: clinical testing. Allele origin: germline.
Comment: The p.S759T variant (also known as c.2276G>C), located in coding exon 14 of the ATM gene, results from a G to C substitution at nucleotide position 2276. The serine at codon 759 is replaced by threonine, an amino acid with similar properties. This amino acid position is well conserved in available vertebrate species. In addition, this alteration is predicted to be tolerated by in silico analysis. Based on the available evidence, the clinical significance of this variant remains unclear.

GeneDx
Classification: Uncertain significance. Last evaluated: 2023-05-30. Review status: criteria provided, single submitter. Criteria: GeneDx Variant Classification Process June 2021. Collection method: clinical testing. Allele origin: germline. Affected: yes.
Comment: Not observed at significant frequency in large population cohorts (gnomAD); In silico analysis supports that this missense variant does not alter protein structure/function; Has not been previously published as pathogenic or benign to our knowledge